The following is an entry in ClinVar:

ClinVar aggregate classification (germline): Uncertain significance (1 of 4 stars; one submission).

Conditions:
Ellis-van Creveld syndrome (EVC). Also called: EVC-Related Ellis-van Creveld Syndrome; EVC2-Related Ellis-van Creveld Syndrome; MESOECTODERMAL DYSPLASIA; Chondroectodermal dysplasia. Identifiers: Orphanet 289, MedGen C0013903, MONDO:0009162, OMIM 225500.
Curry-Hall syndrome (WAD). Also called: WEYERS ACRODENTAL DYSOSTOSIS. Identifiers: Orphanet 952, MedGen C0457013, MONDO:0008673, OMIM 193530.

Submission:

Labcorp Genetics (formerly Invitae), Labcorp
Classification: Uncertain significance for Curry-Hall syndrome; Ellis-van Creveld syndrome. Last evaluated: 2021-11-05. Review status: criteria provided, single submitter. Criteria: Invitae Variant Classification Sherloc (09022015). Collection method: clinical testing. Allele origin: germline.
Comment: This sequence change replaces serine, which is neutral and polar, with tryptophan, which is neutral and slightly polar, at codon 1008 of the EVC2 protein (p.Ser1008Trp). In summary, the available evidence is currently insufficient to determine the role of this variant in disease. Therefore, it has been classified as a Variant of Uncertain Significance. Algorithms developed to predict the effect of missense changes on protein structure and function are either unavailable or do not agree on the potential impact of this missense change (SIFT: "Deleterious"; PolyPhen-2: "Possibly Damaging"; Align-GVGD: "Class C0"). This variant has not been reported in the literature in individuals affected with EVC2-related conditions. This variant is not present in population databases (gnomAD no frequency).

NM_147127.5(EVC2):c.3023C>G (p.Ser1008Trp)

Gene: EVC2 (EvC ciliary complex subunit 2; minus strand). Cytogenetic location: 4p16.2.
Variant type: single nucleotide variant.
Coding change: c.3023C>G on transcript NM_147127.5 (MANE Select); coding-DNA position 3023, C replaced by G.
Protein change: p.Ser1008Trp; replaces serine 1008 with tryptophan.
Molecular consequence: missense variant.
Genome position (GRCh38, 1-based): chr4:5,584,657, G>C on the plus strand (C>G on the coding strand, the complement: EVC2 is on the minus strand). VCF-style: chr4-5584657-G-C. GRCh37 (hg19) VCF-style: chr4-5586384-G-C.
Other names: c.2783C>G, p.Ser928Trp (NM_001166136.2); short protein forms S1008W, S928W.
Identifiers: ClinVar variation 1442816 (VCV001442816.7), dbSNP rs60809236, ClinGen allele CA356153759.